The following is an entry in ClinVar:

NM_015272.5(RPGRIP1L):c.530-29G>A

Gene: RPGRIP1L (RPGRIP1 like; minus strand). Cytogenetic location: 16q12.2.
Variant type: single nucleotide variant.
Coding change: c.530-29G>A on transcript NM_015272.5 (MANE Select); 29 bases into the intron before coding-DNA position 530, G replaced by A.
Molecular consequence: intron variant.
Genome position (GRCh38, 1-based): chr16:53,687,994, C>T on the plus strand (G>A on the coding strand, the complement: RPGRIP1L is on the minus strand). VCF-style: chr16-53687994-C-T. GRCh37 (hg19) VCF-style: chr16-53721906-C-T.
Other names: c.530-29G>A (NM_001127897.4, NM_001330538.2, NM_001308334.3).
Identifiers: ClinVar variation 126281 (VCV000126281.13), dbSNP rs74393433, ClinGen allele CA150954.

ClinVar aggregate classification (germline): Benign. Review status: criteria provided, multiple submitters, no conflicts (2 of 4 stars). 6 submissions from 5 submitters: Benign (5). 1 of the submissions does not count toward it. Last evaluated 2021-07-10.

Conditions:
Meckel syndrome, type 5 (MKS5). Identifiers: Orphanet 564, MedGen C1969052, MONDO:0012695, OMIM 611561.
Joubert syndrome 7 (JBTS7). Identifiers: Orphanet 220497, MedGen C1969053, MONDO:0012694, OMIM 611560.

Allele frequency attached by ClinVar (database versions not stated): ESP Exome Variant Server 0.04224; gnomAD 0.04932 and 0.05344; TOPMed 0.05452; gnomAD exomes 0.07357; ExAC 0.07399; 1000 Genomes Project 30x 0.09416; 1000 Genomes Project 0.10044.
gnomAD v4.1: 78,077 of 1,295,766 alleles (6%); highest among the groups gnomAD compares: East Asian, 28%; 3,812 homozygotes.

Submissions (6):

Genome-Nilou Lab
Classification: Benign for Joubert syndrome 7. Last evaluated: 2021-07-10. Review status: criteria provided, single submitter. Criteria: ACMG Guidelines, 2015. Collection method: clinical testing. Allele origin: germline. Affected: no.

Genome-Nilou Lab
Classification: Benign for Meckel syndrome, type 5. Last evaluated: 2021-07-10. Review status: criteria provided, single submitter. Criteria: ACMG Guidelines, 2015. Collection method: clinical testing. Allele origin: germline. Affected: no.

GeneDx
Classification: Benign. Last evaluated: 2018-06-29. Review status: criteria provided, single submitter. Criteria: GeneDx Variant Classification Process June 2021. Collection method: clinical testing. Allele origin: germline. Affected: yes.

Breakthrough Genomics
Classification: Benign. Review status: criteria provided, single submitter. Criteria: ACMG Guidelines, 2015. Collection method: not provided. Allele origin: germline. Inheritance: Autosomal recessive inheritance. Affected: yes.

PreventionGenetics, part of Exact Sciences
Classification: Benign. Review status: criteria provided, single submitter. Criteria: ACMG Guidelines, 2015. Collection method: clinical testing. Allele origin: germline.

Genetic Services Laboratory, University of Chicago
Classification: Likely benign for AllHighlyPenetrant. Review status: no assertion criteria provided. Collection method: clinical testing. Allele origin: germline. Inheritance: Autosomal recessive inheritance. Observed: 41 variant alleles. Not counted in ClinVar's aggregate classification.
Comment: Likely benign based on allele frequency in 1000 Genomes Project or ESP global frequency and its presence in a patient with a rare or unrelated disease phenotype. NOT Sanger confirmed.